The following is an entry in ClinVar:

ClinVar aggregate classification (germline): Likely pathogenic (1 of 4 stars; one submission).

Conditions:
Macular corneal dystrophy (MCD). Also called: Macular corneal dystrophy Type I; GROENOUW TYPE II CORNEAL DYSTROPHY. Identifiers: Orphanet 98969, MedGen C1636149, MONDO:0009020, OMIM 217800.

Allele frequency attached by ClinVar (database versions not stated): gnomAD exomes below 0.00001.

Submission:

Victorian Clinical Genetics Services, Murdoch Childrens Research Institute
Classification: Likely pathogenic for Macular corneal dystrophy. Last evaluated: 2023-07-17. Review status: criteria provided, single submitter. Criteria: ACMG Guidelines, 2015. Collection method: clinical testing. Allele origin: germline. Inheritance: Autosomal recessive inheritance. Affected: yes.
Comment: Based on the classification scheme VCGS_Germline_v1.3.4, this variant is classified as Likely pathogenic. Following criteria are met: 0102 - Loss of function is a known mechanism of disease in this gene and is associated with macular corneal dystrophy (MIM#217800). (I) 0106 - This gene is associated with autosomal recessive disease. (I) 0200 - Variant is predicted to result in a missense amino acid change from arginine to cysteine. (I) 0252 - This variant is homozygous. (I) 0304 - Variant is present in gnomAD <0.01 for a recessive condition (v2: 1 heterozygote, 0 homozygotes). (SP) 0309 - Multiple alternative amino acid changes at the same position have been observed in gnomAD (highest allele count v3: 1 heterozygote, 0 homozygotes). (I) 0501 - Missense variant consistently predicted to be damaging by multiple in silico tools or highly conserved with a major amino acid change. (SP) 0600 - Variant is located in the annotated Sulfotransferase domain (DECIPHER). (I) 0703 - Another missense variant comparable to the one identified in this case has moderate previous evidence for pathogenicity. An alternative variant at the same amino acid position (p.Arg97Pro) has been reported in two unrelated individuals with macular corneal dystrophy (PMID: 14609920, 22261655). (SP) 0803 - This variant has limited previous evidence of pathogenicity in an unrelated individual. This variant has been reported in an individual diagnosed with macular dystrophy (PMID: 25081284). (SP) 0905 - No published segregation evidence has been identified for this variant. (I) 1007 - No published functional evidence has been identified for this variant. (I) 1208 - Inheritance information for this variant is not currently available in this individual. (I) Legend: (SP) - Supporting pathogenic, (I) - Information, (SB) - Supporting benign

Literature cited by the submitters: PubMed 14609920; PubMed 22261655; PubMed 25081284.

NM_021615.5(CHST6):c.289C>T (p.Arg97Cys)

Gene: CHST6 (carbohydrate sulfotransferase 6; minus strand). Cytogenetic location: 16q23.1.
Variant type: single nucleotide variant.
Coding change: c.289C>T on transcript NM_021615.5 (MANE Select); coding-DNA position 289, C replaced by T.
Protein change: p.Arg97Cys; replaces arginine 97 with cysteine.
Molecular consequence: missense variant.
Genome position (GRCh38, 1-based): chr16:75,479,540, G>A on the plus strand (C>T on the coding strand, the complement: CHST6 is on the minus strand). VCF-style: chr16-75479540-G-A. GRCh37 (hg19) VCF-style: chr16-75513438-G-A.
Other names: short protein forms R97C.
Identifiers: ClinVar variation 3254736 (VCV003254736.1), dbSNP rs1471624682.